The following is an entry in ClinVar:

ClinVar aggregate classification (germline): Uncertain significance. Review status: criteria provided, multiple submitters, no conflicts (2 of 4 stars). 2 submissions from 2 submitters: Uncertain significance (2). Last evaluated 2026-10-11.

Conditions:
Inborn genetic diseases. Identifiers: MedGen C0950123, MeSH D030342.

Allele frequency attached by ClinVar (database versions not stated): gnomAD 0.00001.
gnomAD v4.1: 25 of 1,607,238 alleles (0.0016%); highest among the groups gnomAD compares: Admixed American, 0.0084%; no homozygotes.

Submissions (2):

GeneDx
Classification: Uncertain significance. Last evaluated: 2026-10-11. Review status: criteria provided, single submitter. Criteria: GeneDx Variant Classification Process June 2021. Collection method: clinical testing. Allele origin: germline.
Comment: Not observed at significant frequency in large population cohorts (gnomAD); In silico analysis indicates that this missense variant does not alter protein structure/function; Has not been previously published as pathogenic or benign to our knowledge

Ambry Genetics
Classification: Uncertain significance for Inborn genetic diseases. Last evaluated: 2023-12-19. Review status: criteria provided, single submitter. Criteria: Ambry Variant Classification Scheme 2023. Collection method: clinical testing. Allele origin: germline.

NM_005886.3(KATNB1):c.997C>T (p.Leu333Phe)

Gene: KATNB1 (katanin regulatory subunit B1; plus strand). Cytogenetic location: 16q21.
Variant type: single nucleotide variant.
Coding change: c.997C>T on transcript NM_005886.3 (MANE Select); coding-DNA position 997, C replaced by T.
Protein change: p.Leu333Phe; replaces leucine 333 with phenylalanine.
Molecular consequence: missense variant.
Genome position (GRCh38, 1-based): chr16:57,753,218, C>T. VCF-style: chr16-57753218-C-T. GRCh37 (hg19) VCF-style: chr16-57787130-C-T.
Other names: short protein forms L333F.
Identifiers: ClinVar variation 1302391 (VCV001302391.5), dbSNP rs781969053, ClinGen allele CA8080969.